The following is an entry in ClinVar:

ClinVar aggregate classification (germline): Uncertain significance. Review status: criteria provided, multiple submitters, no conflicts (2 of 4 stars). 2 submissions from 2 submitters: Uncertain significance (2). Last evaluated 2022-03-24.

Allele frequency attached by ClinVar (database versions not stated): gnomAD exomes below 0.00001.

Submissions (2):

Ambry Genetics
Classification: Uncertain significance. Last evaluated: 2022-03-24. Review status: criteria provided, single submitter. Criteria: Ambry Variant Classification Scheme 2023. Collection method: clinical testing. Allele origin: germline.
Comment: The p.V156I variant (also known as c.466G>A), located in coding exon 2 of the GALNT12 gene, results from a G to A substitution at nucleotide position 466. The valine at codon 156 is replaced by isoleucine, an amino acid with highly similar properties. This amino acid position is conserved. In addition, this alteration is predicted to be tolerated by in silico analysis. Since supporting evidence is limited at this time, the clinical significance of this alteration remains unclear.

Labcorp Genetics (formerly Invitae), Labcorp
Classification: Uncertain significance. Last evaluated: 2018-03-10. Review status: criteria provided, single submitter. Criteria: Invitae Variant Classification Sherloc (09022015). Collection method: clinical testing. Allele origin: germline.
Comment: This sequence change replaces valine with isoleucine at codon 156 of the GALNT12 protein (p.Val156Ile). The valine residue is highly conserved and there is a small physicochemical difference between valine and isoleucine. This variant has not been reported in the literature in individuals with GALNT12-related disease. Algorithms developed to predict the effect of missense changes on protein structure and function do not agree on the potential impact of this missense change (SIFT: "Deleterious"; PolyPhen-2: "Benign"; Align-GVGD: "Class C0"). In summary, the available evidence is currently insufficient to determine the role of this variant in disease. Therefore, it has been classified as a Variant of Uncertain Significance. This variant is not present in population databases (ExAC no frequency).

NM_024642.5(GALNT12):c.466G>A (p.Val156Ile)

Gene: GALNT12 (polypeptide N-acetylgalactosaminyltransferase 12; plus strand). Cytogenetic location: 9q22.33.
Variant type: single nucleotide variant.
Coding change: c.466G>A on transcript NM_024642.5 (MANE Select); coding-DNA position 466, G replaced by A.
Protein change: p.Val156Ile; replaces valine 156 with isoleucine.
Molecular consequence: missense variant.
Genome position (GRCh38, 1-based): chr9:98,823,350, G>A. VCF-style: chr9-98823350-G-A. GRCh37 (hg19) VCF-style: chr9-101585632-G-A.
Other names: short protein forms V156I.
Identifiers: ClinVar variation 1004729 (VCV001004729.11), dbSNP rs1835788177, ClinGen allele CA374216760.